The following is an entry in ClinVar:

NM_014225.6(PPP2R1A):c.842C>T (p.Thr281Ile)

Gene: PPP2R1A (protein phosphatase 2 scaffold subunit Aalpha; plus strand). Cytogenetic location: 19q13.41.
Variant type: single nucleotide variant.
Coding change: c.842C>T on transcript NM_014225.6 (MANE Select); coding-DNA position 842, C replaced by T.
Protein change: p.Thr281Ile; replaces threonine 281 with isoleucine.
Molecular consequence: missense variant. On other transcripts: non-coding transcript variant (1).
Genome position (GRCh38, 1-based): chr19:52,215,813, C>T. VCF-style: chr19-52215813-C-T. GRCh37 (hg19) VCF-style: chr19-52719066-C-T.
Other names: c.305C>T, p.Thr102Ile (NM_001363656.2); short protein forms T281I, T102I.
Identifiers: ClinVar variation 596751 (VCV000596751.10), dbSNP rs1568595903, ClinGen allele CA407186232.

ClinVar aggregate classification (germline): Uncertain significance. Review status: criteria provided, multiple submitters, no conflicts (2 of 4 stars). 3 submissions from 3 submitters: Uncertain significance (3). Last evaluated 2025-03-07.

Submissions (3):

Greenwood Genetic Center Diagnostic Laboratories, Greenwood Genetic Center
Classification: Uncertain significance. Last evaluated: 2025-03-07. Review status: criteria provided, single submitter. Criteria: ACMG Guidelines, 2015. Collection method: clinical testing. Allele origin: germline.
Comment: PM2, BP4, PP2

Labcorp Genetics (formerly Invitae), Labcorp
Classification: Uncertain significance. Last evaluated: 2022-03-15. Review status: criteria provided, single submitter. Criteria: Invitae Variant Classification Sherloc (09022015). Collection method: clinical testing. Allele origin: germline.
Comment: In summary, the available evidence is currently insufficient to determine the role of this variant in disease. Therefore, it has been classified as a Variant of Uncertain Significance. Algorithms developed to predict the effect of missense changes on protein structure and function (SIFT, PolyPhen-2, Align-GVGD) all suggest that this variant is likely to be tolerated. ClinVar contains an entry for this variant (Variation ID: 596751). This variant has not been reported in the literature in individuals affected with PPP2R1A-related conditions. This variant is not present in population databases (gnomAD no frequency). This sequence change replaces threonine, which is neutral and polar, with isoleucine, which is neutral and non-polar, at codon 281 of the PPP2R1A protein (p.Thr281Ile).

Eurofins Ntd Llc (ga)
Classification: Uncertain significance. Last evaluated: 2018-03-27. Review status: criteria provided, single submitter. Criteria: EGL ClinVar v180209 classification definitions. Collection method: clinical testing. Allele origin: germline. Observed: 1 variant allele, 1 heterozygote.